The following is an entry in ClinVar:

NM_000138.5(FBN1):c.5155T>C (p.Cys1719Arg)

Gene: FBN1 (fibrillin 1; minus strand). Cytogenetic location: 15q21.1.
Variant type: single nucleotide variant.
Coding change: c.5155T>C on transcript NM_000138.5 (MANE Select); coding-DNA position 5155, T replaced by C.
Protein change: p.Cys1719Arg; replaces cysteine 1719 with arginine.
Molecular consequence: missense variant.
Genome position (GRCh38, 1-based): chr15:48,463,151, A>G on the plus strand (T>C on the coding strand, the complement: FBN1 is on the minus strand). VCF-style: chr15-48463151-A-G. GRCh37 (hg19) VCF-style: chr15-48755348-A-G.
Other names: short protein forms C1719R.
Identifiers: ClinVar variation 263524 (VCV000263524.6), dbSNP rs886038838, ClinGen allele CA10587817.

ClinVar aggregate classification (germline): Conflicting classifications of pathogenicity. Review status: criteria provided, conflicting classifications (1 of 4 stars). 2 submissions from 2 submitters: Likely pathogenic (1); Uncertain significance (1). Last evaluated 2025-10-13.

Conditions:
Familial thoracic aortic aneurysm and aortic dissection (TAAD). Also called: Thoracic aortic aneurysms and dissections. Identifiers: Orphanet 91387, MedGen C4707243, MONDO:0019625.

Submissions (2):

Women's Health and Genetics/Laboratory Corporation of America, LabCorp
Classification: Uncertain significance. Last evaluated: 2025-10-13. Review status: criteria provided, single submitter. Criteria: LabCorp Variant Classification Summary - May 2015. Collection method: clinical testing. Allele origin: germline.
Comment: Variant summary: FBN1 c.5155T>C (p.Cys1719Arg) results in a non-conservative amino acid change in the encoded protein sequence. Algorithms developed to predict the effect of missense changes on protein structure and function all suggest that this variant is likely to be disruptive. The variant was absent in 251354 control chromosomes. Missense mutations affecting or creating cysteine residues are listed among the criteria for a causal FBN1 mutation when identified as de novo (with proven paternity) in the revised Ghent criteria for the diagnosis of Marfan and related conditions (Loeys 2010). c.5155T>C has been observed in at least one individual affected with aortic aneurysm, with reported paternal inheritance of the variant (e.g. Li_2019). These report(s) do not provide unequivocal conclusions about association of the variant with Marfan Syndrome. To our knowledge, no experimental evidence demonstrating an impact on protein function has been reported. The following publication has been ascertained in the context of this evaluation (PMID: 31098894). ClinVar contains an entry for this variant (Variation ID: 263524). Based on the evidence outlined above, the variant was classified as VUS-possibly pathogenic until the de novo origin of this variant is unequivocally confirmed.

Ambry Genetics
Classification: Likely pathogenic for Familial thoracic aortic aneurysm and aortic dissection. Last evaluated: 2023-02-14. Review status: criteria provided, single submitter. Criteria: Ambry Variant Classification Scheme 2023. Collection method: clinical testing. Allele origin: germline.
Comment: The p.C1719R variant (also known as c.5155T>C), located in coding exon 41 of the FBN1 gene, results from a T to C substitution at nucleotide position 5155. The cysteine at codon 1719 is replaced by arginine, an amino acid with highly dissimilar properties, and is located in the TGFBP #05 domain. The majority of FBN1 mutations identified to date have involved the substitution or generation of cysteine residues within cbEGF domains (Vollbrandt T et al. J Biol Chem. 2004;279(31):32924-32931). This alteration has been reported in a subject with aortic aneurysm (Li J et al. Sci China Life Sci, 2019 Dec;62:1630-1637). Another alteration affecting the same amino acid, p.C1719Y (c.5156G>A), has been reported de novo in a subject with features of Marfan syndrome (Stheneur C et al. Eur. J. Hum. Genet., 2009 Sep;17:1121-8). This variant was not reported in population-based cohorts in the Genome Aggregation Database (gnomAD). This amino acid position is highly conserved in available vertebrate species. In addition, this alteration is predicted to be deleterious by in silico analysis. Based on the majority of available evidence to date, this variant is likely to be pathogenic.

Literature cited by the submitters: PubMed 31098894 (cited by Women's Health and Genetics/Laboratory Corporation of America, LabCorp and Ambry Genetics).